The following is an entry in ClinVar:

NM_001166108.2(PALLD):c.1965-12664G>C

Gene: PALLD (palladin, cytoskeletal associated protein; plus strand). Cytogenetic location: 4q32.3.
Variant type: single nucleotide variant.
Coding change: c.1965-12664G>C on transcript NM_001166108.2 (MANE Select); 12664 bases into the intron before coding-DNA position 1965, G replaced by C.
Molecular consequence: intron variant. On other transcripts: missense variant (1).
Genome position (GRCh38, 1-based): chr4:168,878,258, G>C. VCF-style: chr4-168878258-G-C. GRCh37 (hg19) VCF-style: chr4-169799409-G-C.
Other names: c.367G>C, p.Ala123Pro (NM_001166110.2); c.1965-12664G>C (NM_016081.4); c.819-12664G>C (NM_001166109.2); c.-157-12664G>C (NM_001367570.1, NM_001367568.1, NM_001367567.1 and 1 more transcripts); short protein forms A123P.
Identifiers: ClinVar variation 5026214 (VCV005026214.1).

ClinVar aggregate classification (germline): Uncertain significance (1 of 4 stars; one submission).

Submission:

Ambry Genetics
Classification: Uncertain significance. Last evaluated: 2026-06-19. Review status: criteria provided, single submitter. Criteria: Ambry Variant Classification Scheme 2023. Collection method: clinical testing. Allele origin: germline.
Comment: The p.A123P variant (also known as c.367G>C), located in coding exon 1 of the PALLD gene, results from a G to C substitution at nucleotide position 367. The alanine at codon 123 is replaced by proline, an amino acid with highly similar properties. This amino acid position is conserved. In addition, this alteration is predicted to be tolerated by in silico analysis. Based on the available evidence, the clinical significance of this variant remains unclear.